The following is an entry in ClinVar:

NM_001018113.3(FANCB):c.31G>A (p.Glu11Lys)

Gene: FANCB (FA complementation group B; minus strand). Cytogenetic location: Xp22.2.
Variant type: single nucleotide variant.
Coding change: c.31G>A on transcript NM_001018113.3 (MANE Select); coding-DNA position 31, G replaced by A.
Protein change: p.Glu11Lys; replaces glutamic acid 11 with lysine.
Molecular consequence: missense variant. On other transcripts: non-coding transcript variant (1).
Genome position (GRCh38, 1-based): chrX:14,865,480, C>T on the plus strand (G>A on the coding strand, the complement: FANCB is on the minus strand). VCF-style: chrX-14865480-C-T. GRCh37 (hg19) VCF-style: chrX-14883602-C-T.
Other names: c.31G>A, p.Glu11Lys (NM_001324162.2, NM_001410764.1, NM_152633.4); short protein forms E11K.
Identifiers: ClinVar variation 3730022 (VCV003730022.2).

ClinVar aggregate classification (germline): Uncertain significance (1 of 4 stars; one submission).

Conditions:
Fanconi anemia (FA). Also called: Fanconi's anemia. Identifiers: Orphanet 84, MedGen C0015625, MeSH D005199, MONDO:0019391.

gnomAD v4.1: 1 of 1,203,470 alleles (0.000083%); highest among the groups gnomAD compares: Non-Finnish European, 0.00011%; no homozygotes.

Submission:

Labcorp Genetics (formerly Invitae), Labcorp
Classification: Uncertain significance for Fanconi anemia. Last evaluated: 2024-07-25. Review status: criteria provided, single submitter. Criteria: Invitae Variant Classification Sherloc (09022015). Collection method: clinical testing. Allele origin: germline.
Comment: This sequence change replaces glutamic acid, which is acidic and polar, with lysine, which is basic and polar, at codon 11 of the FANCB protein (p.Glu11Lys). This variant is present in population databases (rs370199124, gnomAD 0.008%). This variant has not been reported in the literature in individuals affected with FANCB-related conditions. Advanced modeling of protein sequence and biophysical properties (such as structural, functional, and spatial information, amino acid conservation, physicochemical variation, residue mobility, and thermodynamic stability) performed at Invitae indicates that this missense variant is not expected to disrupt FANCB protein function with a negative predictive value of 80%. In summary, the available evidence is currently insufficient to determine the role of this variant in disease. Therefore, it has been classified as a Variant of Uncertain Significance.